The following is an entry in ClinVar:

ClinVar aggregate classification (germline): Uncertain significance (1 of 4 stars; one submission).

Submission:

CeGaT Center for Human Genetics Tuebingen
Classification: Uncertain significance. Last evaluated: 2025-08-01. Review status: criteria provided, single submitter. Criteria: CeGaT Center For Human Genetics Tuebingen Variant Classification Criteria Version 2. Collection method: clinical testing. Allele origin: germline. Affected: yes. Observed: 2 variant alleles.
Comment: ATRX: PM2

NM_000489.6(ATRX):c.6025G>T (p.Ala2009Ser)

Gene: ATRX (ATRX chromatin remodeler; minus strand). Cytogenetic location: Xq21.1.
Variant type: single nucleotide variant.
Coding change: c.6025G>T on transcript NM_000489.6 (MANE Select); coding-DNA position 6025, G replaced by T.
Protein change: p.Ala2009Ser; replaces alanine 2009 with serine.
Molecular consequence: missense variant.
Genome position (GRCh38, 1-based): chrX:77,593,781, C>A on the plus strand (G>T on the coding strand, the complement: ATRX is on the minus strand). VCF-style: chrX-77593781-C-A. GRCh37 (hg19) VCF-style: chrX-76849251-C-A.
Other names: c.5911G>T, p.Ala1971Ser (NM_138270.5); short protein forms A1971S, A2009S.
Identifiers: ClinVar variation 3772396 (VCV003772396.13).